The following is an entry in ClinVar:

NM_019045.5(WDR44):c.605A>G (p.Asp202Gly)

Gene: WDR44 (WD repeat domain 44; plus strand). Cytogenetic location: Xq24.
Variant type: single nucleotide variant.
Coding change: c.605A>G on transcript NM_019045.5 (MANE Select); coding-DNA position 605, A replaced by G.
Protein change: p.Asp202Gly; replaces aspartic acid 202 with glycine.
Molecular consequence: missense variant.
Genome position (GRCh38, 1-based): chrX:118,393,050, A>G. VCF-style: chrX-118393050-A-G. GRCh37 (hg19) VCF-style: chrX-117527013-A-G.
Other names: c.605A>G, p.Asp202Gly (NM_001184965.2); c.530A>G, p.Asp177Gly (NM_001184966.1); short protein forms D177G, D202G.
Identifiers: ClinVar variation 4281930 (VCV004281930.1).
Genomic context (GRCh38, chrX:118,393,050, plus strand): 5'-AAGTCAAAGGAGGTGGTGATGTTTTAGAGCCTGTGTCCTCAGACTCCTTATCTACTAAAG[A>G]TTTTGCCGCTGTGGAAGAAGTGGCCCCTGCCAAACCCCCAAGACACCTTACTCCAGAGCC-3'
Protein context (NP_061918.3, residues 192-212): PVSSDSLSTK[Asp202Gly]FAAVEEVAPA

ClinVar aggregate classification (germline): Uncertain significance (1 of 4 stars; one submission).

gnomAD v4.1: 2 of 1,211,752 alleles (0.00017%); highest among the groups gnomAD compares: South Asian, 0.0018%; no homozygotes.

Submission:

GeneDx
Classification: Uncertain significance. Last evaluated: 2025-04-09. Review status: criteria provided, single submitter. Criteria: GeneDx Variant Classification Process June 2021. Collection method: clinical testing. Allele origin: germline. Affected: yes.
Comment: Not observed at significant frequency in large population cohorts (gnomAD); In silico analysis indicates that this missense variant does not alter protein structure/function; Has not been previously published as pathogenic or benign to our knowledge